The following is an entry in ClinVar:

NM_003072.5(SMARCA4):c.1321C>T (p.Arg441Cys)

Gene: SMARCA4 (SWI/SNF related BAF chromatin remodeling complex subunit ATPase 4; plus strand). Cytogenetic location: 19p13.2.
Variant type: single nucleotide variant.
Coding change: c.1321C>T on transcript NM_003072.5 (MANE Select); coding-DNA position 1321, C replaced by T.
Protein change: p.Arg441Cys; replaces arginine 441 with cysteine.
Molecular consequence: missense variant. On other transcripts: non-coding transcript variant (1).
Genome position (GRCh38, 1-based): chr19:10,991,225, C>T. VCF-style: chr19-10991225-C-T. GRCh37 (hg19) VCF-style: chr19-11101901-C-T.
Other names: c.1321C>T, p.Arg441Cys (NM_001128844.3, NM_001128845.2, NM_001128846.2 and 4 more transcripts); short protein forms R441C.
Identifiers: ClinVar variation 818923 (VCV000818923.14), dbSNP rs1600023226, ClinGen allele CA404060756.

ClinVar aggregate classification (germline): Uncertain significance. Review status: criteria provided, multiple submitters, no conflicts (2 of 4 stars). 2 submissions from 2 submitters: Uncertain significance (2). Last evaluated 2025-11-13.

Conditions:
Hereditary cancer-predisposing syndrome. Also called: Tumor predisposition; Hereditary neoplastic syndrome; Neoplastic Syndromes, Hereditary; Hereditary Cancer Syndrome. Identifiers: Orphanet 140162, MedGen C0027672, MeSH D009386, MONDO:0015356.
Rhabdoid tumor predisposition syndrome 2 (RTPS2). Identifiers: Orphanet 231108, Orphanet 69077, MedGen C2750074, MONDO:0013224, OMIM 613325.

Allele frequency attached by ClinVar (database versions not stated): gnomAD exomes below 0.00001.
gnomAD v4.1: 1 of 1,613,828 alleles (0.000062%); highest among the groups gnomAD compares: Non-Finnish European, 0.000085%; no homozygotes.

Submissions (2):

Ambry Genetics
Classification: Uncertain significance for Hereditary cancer-predisposing syndrome. Last evaluated: 2025-11-13. Review status: criteria provided, single submitter. Criteria: Ambry Variant Classification Scheme 2023. Collection method: clinical testing. Allele origin: germline.
Comment: The p.R441C variant (also known as c.1321C>T), located in coding exon 7 of the SMARCA4 gene, results from a C to T substitution at nucleotide position 1321. The arginine at codon 441 is replaced by cysteine, an amino acid with highly dissimilar properties. This amino acid position is highly conserved in available vertebrate species. In addition, the in silico prediction for this alteration is inconclusive. Based on the available evidence, the clinical significance of this variant remains unclear.

Labcorp Genetics (formerly Invitae), Labcorp
Classification: Uncertain significance for Rhabdoid tumor predisposition syndrome 2. Last evaluated: 2021-02-25. Review status: criteria provided, single submitter. Criteria: Invitae Variant Classification Sherloc (09022015). Collection method: clinical testing. Allele origin: germline.
Comment: This sequence change replaces arginine with cysteine at codon 441 of the SMARCA4 protein (p.Arg441Cys). The arginine residue is highly conserved and there is a large physicochemical difference between arginine and cysteine. This variant is not present in population databases (ExAC no frequency). This variant has not been reported in the literature in individuals with SMARCA4-related conditions. ClinVar contains an entry for this variant (Variation ID: 818923). Algorithms developed to predict the effect of missense changes on protein structure and function are either unavailable or do not agree on the potential impact of this missense change (SIFT: "Deleterious"; PolyPhen-2: "Probably Damaging"; Align-GVGD: "Class C0"). In summary, the available evidence is currently insufficient to determine the role of this variant in disease. Therefore, it has been classified as a Variant of Uncertain Significance.